The following is an entry in ClinVar:

ClinVar aggregate classification (germline): Likely benign (1 of 4 stars; one submission).

Allele frequency attached by ClinVar (database versions not stated): ESP Exome Variant Server 0.00019; ExAC 0.00028; gnomAD exomes 0.00029; gnomAD 0.00035; 1000 Genomes Project 30x 0.00042; TOPMed 0.00043; 1000 Genomes Project 0.00053.
gnomAD v4.1: 365 of 1,206,816 alleles (0.03%); highest among the groups gnomAD compares: Middle Eastern, 0.69%; 1 homozygote.

Submission:

CeGaT Center for Human Genetics Tuebingen
Classification: Likely benign. Last evaluated: 2022-11-01. Review status: criteria provided, single submitter. Criteria: CeGaT Center For Human Genetics Tuebingen Variant Classification Criteria Version 2. Collection method: clinical testing. Allele origin: germline. Affected: yes. Observed: 1 variant allele.
Comment: KLHL4: BP4, BP7, BS2

NM_019117.5(KLHL4):c.1671A>T (p.Ser557=)

Gene: KLHL4 (kelch like family member 4; plus strand). Cytogenetic location: Xq21.31.
Variant type: single nucleotide variant.
Coding change: c.1671A>T on transcript NM_019117.5 (MANE Select); coding-DNA position 1671, A replaced by T.
Protein change: p.Ser557=; no amino-acid change (serine 557 retained).
Molecular consequence: synonymous variant.
Genome position (GRCh38, 1-based): chrX:87,633,870, A>T. VCF-style: chrX-87633870-A-T. GRCh37 (hg19) VCF-style: chrX-86888870-A-T.
Other names: c.1671A>T, p.Ser557= (NM_057162.3).
Identifiers: ClinVar variation 2661012 (VCV002661012.24), dbSNP rs149752456, ClinGen allele CA10466374.